The following is an entry in ClinVar:

NM_000038.6(APC):c.3008A>G (p.Asp1003Gly)

Gene: APC (APC regulator of Wnt signaling pathway; plus strand). Cytogenetic location: 5q22.2.
Variant type: single nucleotide variant.
Coding change: c.3008A>G on transcript NM_000038.6 (MANE Select); coding-DNA position 3008, A replaced by G.
Protein change: p.Asp1003Gly; replaces aspartic acid 1003 with glycine.
Molecular consequence: missense variant.
Genome position (GRCh38, 1-based): chr5:112,838,602, A>G. VCF-style: chr5-112838602-A-G. GRCh37 (hg19) VCF-style: chr5-112174299-A-G.
Other names: c.2705A>G, p.Asp902Gly (NM_001407459.1, NM_001407460.1, NM_001354903.2 and 1 more transcripts); c.2621A>G, p.Asp874Gly (NM_001407467.1, NM_001407469.1); c.2159A>G, p.Asp720Gly (NM_001407470.1, NM_001354906.2); c.1856A>G, p.Asp619Gly (NM_001407471.1, NM_001407472.1); c.3008A>G (NM_000038.5); c.3008A>G, p.Asp1003Gly (NM_001127510.3, NM_001354895.2, NM_001407450.1); c.2954A>G, p.Asp985Gly (NM_001127511.3); c.3062A>G, p.Asp1021Gly (NM_001354896.2, NM_001407447.1, NM_001407448.1 and 1 more transcripts); and 12 more; short protein forms D1003G, D877G, D944G, D962G, D978G, D619G, D874G, D902G.
Identifiers: ClinVar variation 2126208 (VCV002126208.5), dbSNP rs2149882180, ClinGen allele CA16027912.
Genomic context (GRCh38, chr5:112,838,602, plus strand): 5'-TTGAATCCTATTCTGAAGATGATGAAAGTAAGTTTTGCAGTTATGGTCAATACCCAGCCG[A>G]CCTAGCCCATAAAATACATAGTGCAAATCATATGGATGATAATGATGGAGAACTAGATAC-3'
Protein context (NP_000029.2, residues 993-1013): KFCSYGQYPA[Asp1003Gly]LAHKIHSANH

ClinVar aggregate classification (germline): Uncertain significance. Review status: criteria provided, multiple submitters, no conflicts (2 of 4 stars). 2 submissions from 2 submitters: Uncertain significance (2). Last evaluated 2026-05-14.

Conditions:
Hereditary cancer-predisposing syndrome. Also called: Tumor predisposition; Hereditary Cancer Syndrome; Hereditary neoplastic syndrome; Neoplastic Syndromes, Hereditary. Identifiers: Orphanet 140162, MedGen C0027672, MeSH D009386, MONDO:0015356.
Familial adenomatous polyposis 1 (FAP1). Also called: FAMILIAL ADENOMATOUS POLYPOSIS 1, ATTENUATED; POLYPOSIS, ADENOMATOUS INTESTINAL. Identifiers: MedGen C2713442, MONDO:0021056, OMIM 175100. Disease mechanism: loss of function.

Allele frequency attached by ClinVar (database versions not stated): gnomAD exomes below 0.00001.
gnomAD v4.1: 2 of 1,614,162 alleles (0.00012%); highest among the groups gnomAD compares: Middle Eastern, 0.016%; no homozygotes.

Submissions (2):

Ambry Genetics
Classification: Uncertain significance for Hereditary cancer-predisposing syndrome. Last evaluated: 2026-05-14. Review status: criteria provided, single submitter. Criteria: Ambry Variant Classification Scheme 2023. Collection method: clinical testing. Allele origin: germline.
Comment: The p.D1003G variant (also known as c.3008A>G), located in coding exon 15 of the APC gene, results from an A to G substitution at nucleotide position 3008. The aspartic acid at codon 1003 is replaced by glycine, an amino acid with similar properties. This amino acid position is conserved. In addition, in silico predictors for this gene do not accurately predict pathogenicity. Based on the available evidence, the clinical significance of this variant remains unclear.

Labcorp Genetics (formerly Invitae), Labcorp
Classification: Uncertain significance for Familial adenomatous polyposis 1. Last evaluated: 2025-08-07. Review status: criteria provided, single submitter. Criteria: Invitae Variant Classification Sherloc (09022015). Collection method: clinical testing. Allele origin: germline.
Comment: This sequence change replaces aspartic acid, which is acidic and polar, with glycine, which is neutral and non-polar, at codon 1003 of the APC protein (p.Asp1003Gly). This variant is not present in population databases (gnomAD no frequency). This variant has not been reported in the literature in individuals affected with APC-related conditions. ClinVar contains an entry for this variant (Variation ID: 2126208). Invitae Evidence Modeling of protein sequence and biophysical properties (such as structural, functional, and spatial information, amino acid conservation, physicochemical variation, residue mobility, and thermodynamic stability) indicates that this missense variant is not expected to disrupt APC protein function with a negative predictive value of 95%. In summary, the available evidence is currently insufficient to determine the role of this variant in disease. Therefore, it has been classified as a Variant of Uncertain Significance.